The following is an entry in ClinVar:

NM_001370298.3(FGD4):c.647C>T (p.Thr216Ile)

Gene: FGD4 (FYVE, RhoGEF and PH domain containing 4; plus strand). Cytogenetic location: 12p11.21.
Variant type: single nucleotide variant.
Coding change: c.647C>T on transcript NM_001370298.3 (MANE Select); coding-DNA position 647, C replaced by T.
Protein change: p.Thr216Ile; replaces threonine 216 with isoleucine.
Molecular consequence: missense variant. On other transcripts: 5 prime UTR variant (5), non-coding transcript variant (1), intron variant (1).
Genome position (GRCh38, 1-based): chr12:32,582,103, C>T. VCF-style: chr12-32582103-C-T. GRCh37 (hg19) VCF-style: chr12-32735037-C-T.
Other names: c.491C>T, p.Thr164Ile (NM_001304481.2); c.-609C>T (NM_001304483.2); c.-916C>T (NM_001304484.2); c.-44C>T (NM_001330373.2, NM_001330374.2, NM_001384130.1); c.647C>T, p.Thr216Ile (NM_001384126.1); c.236C>T, p.Thr79Ile (NM_001384127.1, NM_001384128.1, NM_001384131.1 and 3 more transcripts); c.49-16394C>T (NM_001370297.1); short protein forms T79I, T164I, T216I.
Identifiers: ClinVar variation 414873 (VCV000414873.30), dbSNP rs145115430, ClinGen allele CA6506604.

ClinVar aggregate classification (germline): Benign/Likely benign. Review status: criteria provided, multiple submitters, no conflicts (2 of 4 stars). 10 submissions from 10 submitters: Benign (1); Likely benign (8). 1 of the submissions does not count toward it. Last evaluated 2026-01-25.

Conditions:
Inborn genetic diseases. Identifiers: MedGen C0950123, MeSH D030342.
FGD4-related disorder. Also called: FGD4-related condition.
Charcot-Marie-Tooth disease. Also called: Charcot-Marie-Tooth Hereditary Neuropathy; Charcot-Marie-Tooth Neuropathy. Identifiers: Orphanet 166, MedGen C0007959, MONDO:0015626.
Charcot-Marie-Tooth disease type 4. Also called: Charcot-Marie-Tooth disease, type IV; Charcot-Marie-Tooth, Type 4. Identifiers: Orphanet 64749, MedGen C4082197, MONDO:0018995.
Charcot-Marie-Tooth disease type 4H (CMT4H). Also called: CHARCOT-MARIE-TOOTH DISEASE, AUTOSOMAL RECESSIVE, TYPE 4H; CHARCOT-MARIE-TOOTH DISEASE, DEMYELINATING, AUTOSOMAL RECESSIVE, TYPE 4H; CHARCOT-MARIE-TOOTH NEUROPATHY, TYPE 4H; CHARCOT-MARIE-TOOTH DISEASE, DEMYELINATING, TYPE 4H. Identifiers: Orphanet 99954, MedGen C1836336, MONDO:0012250, OMIM 609311.

Allele frequency attached by ClinVar (database versions not stated): gnomAD exomes 0.00026 and 0.00071; ExAC 0.00078; gnomAD 0.00204 and 0.00213; ESP Exome Variant Server 0.00238; TOPMed 0.00264; 1000 Genomes Project 30x 0.00297; 1000 Genomes Project 0.00300.
gnomAD v4.1: 703 of 1,614,154 alleles (0.044%); highest among the groups gnomAD compares: African/African-American, 0.61%; 3 homozygotes.

Submissions (10):

Labcorp Genetics (formerly Invitae), Labcorp
Classification: Likely benign for Charcot-Marie-Tooth disease type 4. Last evaluated: 2026-01-25. Review status: criteria provided, single submitter. Criteria: Invitae Variant Classification Sherloc (09022015). Collection method: clinical testing. Allele origin: germline.

Mayo Clinic Laboratories, Mayo Clinic
Classification: Benign. Last evaluated: 2025-10-08. Review status: criteria provided, single submitter. Criteria: ACMG Guidelines, 2015. Collection method: clinical testing. Allele origin: germline. Observed: 2 variant alleles.
Comment: BS1, BS2

Blueprint Genetics
Classification: Likely benign. Last evaluated: 2024-11-13. Review status: criteria provided, single submitter. Criteria: ACMG Guidelines, 2015. Collection method: clinical testing. Allele origin: germline.

ARUP Laboratories, Molecular Genetics and Genomics, ARUP Laboratories
Classification: Likely benign for Charcot-Marie-Tooth disease type 4H. Last evaluated: 2023-09-22. Review status: criteria provided, single submitter. Criteria: ARUP Molecular Germline Variant Investigation Process 2024. Collection method: clinical testing. Allele origin: germline.

GeneDx
Classification: Likely benign. Last evaluated: 2021-04-26. Review status: criteria provided, single submitter. Criteria: GeneDx Variant Classification Process June 2021. Collection method: clinical testing. Allele origin: germline. Affected: yes.

Ambry Genetics
Classification: Likely benign for Inborn genetic diseases. Last evaluated: 2019-09-10. Review status: criteria provided, single submitter. Criteria: Ambry Variant Classification Scheme 2023. Collection method: clinical testing. Allele origin: germline.

Athena Diagnostics
Classification: Likely benign. Last evaluated: 2018-11-09. Review status: criteria provided, single submitter. Criteria: Athena Diagnostics Criteria. Collection method: clinical testing. Allele origin: germline.

Breakthrough Genomics
Classification: Likely benign. Review status: criteria provided, single submitter. Criteria: ACMG Guidelines, 2015. Collection method: not provided. Allele origin: germline. Inheritance: Autosomal recessive inheritance. Affected: yes.

Molecular Genetics Laboratory, London Health Sciences Centre
Classification: Likely benign for Charcot-Marie-Tooth disease. Review status: criteria provided, single submitter. Criteria: ACMG Guidelines, 2015. Collection method: clinical testing. Allele origin: germline. Affected: yes.

PreventionGenetics, part of Exact Sciences
Classification: Likely benign for FGD4-related condition. Last evaluated: 2019-12-03. Review status: no assertion criteria provided. Collection method: clinical testing. Allele origin: germline. Not counted in ClinVar's aggregate classification.
Comment: This variant is classified as likely benign based on ACMG/AMP sequence variant interpretation guidelines (Richards et al. 2015 PMID: 25741868, with internal and published modifications).